The following is an entry in ClinVar:

NM_001005373.4(LRSAM1):c.1088+2T>G

Gene: LRSAM1 (leucine rich repeat and sterile alpha motif containing 1; plus strand). Cytogenetic location: 9q33.3.
Variant type: single nucleotide variant.
Coding change: c.1088+2T>G on transcript NM_001005373.4 (MANE Select); the canonical splice donor site of the intron after coding-DNA position 1088, T replaced by G.
Molecular consequence: splice donor variant.
Genome position (GRCh38, 1-based): chr9:127,481,229, T>G. VCF-style: chr9-127481229-T-G. GRCh37 (hg19) VCF-style: chr9-130243508-T-G.
Other names: c.1088+2T>G (NM_138361.5, NM_001384142.1, NM_001384143.1 and 2 more transcripts); c.299+2T>G (NM_001384144.1).
Identifiers: ClinVar variation 2074673 (VCV002074673.5), dbSNP rs1435718430, ClinGen allele CA374931963.
Genomic context (GRCh38, chr9:127,481,229, plus strand): 5'-GATTTTCTCCACAGACAAAAGAAAAGCTCCGAGATTTTGAAATCGCTGGAAAATGAAAGG[T>G]AAGTGTTCTTCCAGGGGAGGGCAGCATTTTTTTTTTTTTTTTGAGACGGAGTCCTGCACT-3'

ClinVar aggregate classification (germline): Conflicting classifications of pathogenicity. Review status: criteria provided, conflicting classifications (1 of 4 stars). 2 submissions from 2 submitters: Likely pathogenic (1); Uncertain significance (1). Last evaluated 2024-03-01.

Conditions:
Charcot-Marie-Tooth disease axonal type 2P. Also called: CHARCOT-MARIE-TOOTH DISEASE, AXONAL, TYPE 2G; CMT 2G; CHARCOT-MARIE-TOOTH NEUROPATHY, TYPE 2P; Charcot-Marie-Tooth Neuropathy Type 2G. Identifiers: Orphanet 300319, Orphanet 99941, MedGen C3280797, MONDO:0013753, OMIM 614436.

Allele frequency attached by ClinVar (database versions not stated): gnomAD exomes below 0.00001; TOPMed below 0.00001.
gnomAD v4.1: 3 of 1,611,936 alleles (0.00019%); highest among the groups gnomAD compares: Non-Finnish European, 0.00025%; no homozygotes.

Submissions (2):

Labcorp Genetics (formerly Invitae), Labcorp
Classification: Likely pathogenic for Charcot-Marie-Tooth disease axonal type 2P. Last evaluated: 2024-03-01. Review status: criteria provided, single submitter. Criteria: Invitae Variant Classification Sherloc (09022015). Collection method: clinical testing. Allele origin: germline.
Comment: This sequence change affects a donor splice site in intron 14 of the LRSAM1 gene. It is expected to disrupt RNA splicing. Variants that disrupt the donor or acceptor splice site typically lead to a loss of protein function (PMID: 16199547), and loss-of-function variants in LRSAM1 are known to be pathogenic (PMID: 20865121, 33414056). This variant is not present in population databases (gnomAD no frequency). This variant has not been reported in the literature in individuals affected with LRSAM1-related conditions. ClinVar contains an entry for this variant (Variation ID: 2074673). Algorithms developed to predict the effect of sequence changes on RNA splicing suggest that this variant may disrupt the consensus splice site. In summary, the currently available evidence indicates that the variant is pathogenic, but additional data are needed to prove that conclusively. Therefore, this variant has been classified as Likely Pathogenic.

Blueprint Genetics
Classification: Uncertain significance. Last evaluated: 2023-02-21. Review status: criteria provided, single submitter. Criteria: ACMG Guidelines, 2015. Collection method: clinical testing. Allele origin: germline.

Literature cited by the submitters: PubMed 16199547 (cited by Labcorp Genetics (formerly Invitae), Labcorp); PubMed 20865121 (cited by Labcorp Genetics (formerly Invitae), Labcorp); PubMed 33414056 (cited by Labcorp Genetics (formerly Invitae), Labcorp).